The following is an entry in ClinVar:

ClinVar aggregate classification (germline): Uncertain significance. Review status: criteria provided, multiple submitters, no conflicts (2 of 4 stars). 6 submissions from 6 submitters: Uncertain significance (4). 2 of the submissions do not count toward it. Last evaluated 2023-12-14.

Conditions:
Autosomal recessive nonsyndromic hearing loss 18A. Also called: DEAFNESS, AUTOSOMAL RECESSIVE 18; Deafness, autosomal recessive 18A. Identifiers: Orphanet 90636, MedGen C1865870, MONDO:0011192, OMIM 602092.
Usher syndrome type 1C. Also called: USHER SYNDROME, TYPE I, ACADIAN VARIETY. Identifiers: Orphanet 231169, Orphanet 886, MedGen C1848604, MONDO:0010171, OMIM 276904.
Hearing impairment. Also called: Impaired Hearing. Identifiers: MedGen C1384666, MONDO:0005365, HP:0000365.

Allele frequency attached by ClinVar (database versions not stated): gnomAD 0.00001 and 0.00002; TOPMed 0.00002; gnomAD exomes 0.00004 and 0.00006; ExAC 0.00005; 1000 Genomes Project 30x 0.00016; 1000 Genomes Project 0.00020.
gnomAD v4.1: 63 of 1,613,670 alleles (0.0039%); highest among the groups gnomAD compares: East Asian, 0.042%; no homozygotes.

Submissions (6):

Women's Health and Genetics/Laboratory Corporation of America, LabCorp
Classification: Uncertain significance. Last evaluated: 2023-12-14. Review status: criteria provided, single submitter. Criteria: LabCorp Variant Classification Summary - May 2015. Collection method: clinical testing. Allele origin: germline.
Comment: Variant summary: USH1C c.1291C>T (p.Arg431Trp) results in a non-conservative amino acid change in the encoded protein sequence. Three of five in-silico tools predict a benign effect of the variant on protein function. The variant allele was found at a frequency of 5.6e-05 in 250982 control chromosomes (gnomAD). This frequency is not significantly higher than estimated for a pathogenic variant in USH1C causing Usher Syndrome (5.6e-05 vs 0.0029), allowing no conclusion about variant significance. c.1291C>T has been reported in the literature in individuals affected with hearing loss and/or retinal degeneration without strong evidence of causality (Miyagawa_2013, Rodriguez-Muoz_2020, Bahena_2022). These reports do not provide unequivocal conclusions about association of the variant with Usher Syndrome. To our knowledge, no experimental evidence demonstrating an impact on protein function has been reported. The following publications have been ascertained in the context of this evaluation (PMID: 23967202, 32036094, 34148116). Four submitters have cited clinical-significance assessments for this variant to ClinVar after 2014. All submitters classified the variant as uncertain significance. Based on the evidence outlined above, the variant was classified as uncertain significance.

Labcorp Genetics (formerly Invitae), Labcorp
Classification: Uncertain significance. Last evaluated: 2022-09-12. Review status: criteria provided, single submitter. Criteria: Invitae Variant Classification Sherloc (09022015). Collection method: clinical testing. Allele origin: germline.
Comment: This sequence change replaces arginine, which is basic and polar, with tryptophan, which is neutral and slightly polar, at codon 431 of the USH1C protein (p.Arg431Trp). This variant is present in population databases (rs397517874, gnomAD 0.05%). This missense change has been observed in individual(s) with deafness (PMID: 23967202). ClinVar contains an entry for this variant (Variation ID: 47993). Algorithms developed to predict the effect of missense changes on protein structure and function are either unavailable or do not agree on the potential impact of this missense change (SIFT: "Deleterious"; PolyPhen-2: "Possibly Damaging"; Align-GVGD: "Class C0"). In summary, the available evidence is currently insufficient to determine the role of this variant in disease. Therefore, it has been classified as a Variant of Uncertain Significance.

Department of Otolaryngology – Head & Neck Surgery, Cochlear Implant Center
Classification: Uncertain significance for Hearing impairment. Last evaluated: 2021-04-12. Review status: criteria provided, single submitter. Criteria: ClinGen HL ACMG Specifications v1. Collection method: clinical testing. Allele origin: germline. Affected: yes.
Comment: PM2_Moderate, PP3_Supporting

Laboratory for Molecular Medicine, Mass General Brigham Personalized Medicine
Classification: Uncertain significance. Last evaluated: 2012-03-26. Review status: criteria provided, single submitter. Criteria: LMM Criteria. Collection method: clinical testing. Allele origin: germline. Observed: 1 variant allele.
Comment: Variant classified as Uncertain Significance - Favor Benign. The Arg731Trp varia nt in USH1C has not been reported in the literature nor previously identified by our laboratory. Computational analyses (biochemical amino acid properties, cons ervation, AlignGVGD, PolyPhen2, and SIFT) do not provide strong support for or a gainst an impact to the protein. In summary, the clinical significance of this v ariant cannot be determined with certainty.

Natera, Inc.
Classification: Uncertain significance for Usher syndrome type 1C. Last evaluated: 2020-09-16. Review status: no assertion criteria provided. Collection method: clinical testing. Allele origin: germline. Not counted in ClinVar's aggregate classification.

Counsyl
Classification: Uncertain significance for Usher syndrome type 1C; Autosomal recessive nonsyndromic hearing loss 18A. Last evaluated: 2017-09-05. Review status: no assertion criteria provided. Collection method: clinical testing. Allele origin: unknown. Not counted in ClinVar's aggregate classification.

Literature cited by the submitters: PubMed 23967202 (cited by 4 submitters); PubMed 32036094 (cited by Women's Health and Genetics/Laboratory Corporation of America, LabCorp); PubMed 34148116 (cited by Women's Health and Genetics/Laboratory Corporation of America, LabCorp).

NM_153676.4(USH1C):c.2191C>T (p.Arg731Trp)

Gene: USH1C (USH1 protein network component harmonin; minus strand). Cytogenetic location: 11p15.1.
Variant type: single nucleotide variant.
Coding change: c.2191C>T on transcript NM_153676.4 (MANE Select); coding-DNA position 2191, C replaced by T.
Protein change: p.Arg731Trp; replaces arginine 731 with tryptophan.
Molecular consequence: missense variant. On other transcripts: non-coding transcript variant (1).
Genome position (GRCh38, 1-based): chr11:17,501,974, G>A on the plus strand (C>T on the coding strand, the complement: USH1C is on the minus strand). VCF-style: chr11-17501974-G-A. GRCh37 (hg19) VCF-style: chr11-17523521-G-A.
Other names: c.1234C>T, p.Arg412Trp (NM_001297764.2); c.1291C>T, p.Arg431Trp (NM_005709.4); short protein forms R431W, R731W, R412W.
Identifiers: ClinVar variation 47993 (VCV000047993.13), dbSNP rs397517874, ClinGen allele CA142322.